The following is an entry in ClinVar:

NM_144701.3(IL23R):c.953C>T (p.Thr318Ile)

Gene: IL23R (interleukin 23 receptor; plus strand). Cytogenetic location: 1p31.3.
Variant type: single nucleotide variant.
Coding change: c.953C>T on transcript NM_144701.3 (MANE Select); coding-DNA position 953, C replaced by T.
Protein change: p.Thr318Ile; replaces threonine 318 with isoleucine.
Molecular consequence: missense variant.
Genome position (GRCh38, 1-based): chr1:67,219,728, C>T. VCF-style: chr1-67219728-C-T. GRCh37 (hg19) VCF-style: chr1-67685411-C-T.
Other names: c.953C>T (NM_144701.2); short protein forms T318I.
Identifiers: ClinVar variation 2129045 (VCV002129045.5), dbSNP rs772786061, ClinGen allele CA899880.

ClinVar aggregate classification (germline): Uncertain significance. Review status: criteria provided, multiple submitters, no conflicts (2 of 4 stars). 2 submissions from 2 submitters: Uncertain significance (2). Last evaluated 2025-10-29.

Allele frequency attached by ClinVar (database versions not stated): ExAC 0.00001; gnomAD exomes 0.00001; TOPMed 0.00001.
gnomAD v4.1: 7 of 1,613,062 alleles (0.00043%); highest among the groups gnomAD compares: African/African-American, 0.0013%; no homozygotes.

Submissions (2):

Ambry Genetics
Classification: Uncertain significance. Last evaluated: 2025-10-29. Review status: criteria provided, single submitter. Criteria: Ambry Variant Classification Scheme 2023. Collection method: clinical testing. Allele origin: germline.

Labcorp Genetics (formerly Invitae), Labcorp
Classification: Uncertain significance. Last evaluated: 2022-06-22. Review status: criteria provided, single submitter. Criteria: Invitae Variant Classification Sherloc (09022015). Collection method: clinical testing. Allele origin: germline.
Comment: This sequence change replaces threonine, which is neutral and polar, with isoleucine, which is neutral and non-polar, at codon 318 of the IL23R protein (p.Thr318Ile). Algorithms developed to predict the effect of sequence changes on RNA splicing suggest that this variant may disrupt the consensus splice site. Algorithms developed to predict the effect of missense changes on protein structure and function output the following: SIFT: "Tolerated"; PolyPhen-2: "Benign"; Align-GVGD: "Class C0". The isoleucine amino acid residue is found in multiple mammalian species, which suggests that this missense change does not adversely affect protein function. This variant has not been reported in the literature in individuals affected with IL23R-related conditions. This variant is present in population databases (rs772786061, gnomAD 0.0009%). In summary, the available evidence is currently insufficient to determine the role of this variant in disease. Therefore, it has been classified as a Variant of Uncertain Significance.